The following is an entry in ClinVar:

NM_001080.3(ALDH5A1):c.608C>G (p.Pro203Arg)

Gene: ALDH5A1 (aldehyde dehydrogenase 5 family member A1; plus strand). Cytogenetic location: 6p22.3.
Variant type: single nucleotide variant.
Coding change: c.608C>G on transcript NM_001080.3 (MANE Select); coding-DNA position 608, C replaced by G.
Protein change: p.Pro203Arg; replaces proline 203 with arginine.
Molecular consequence: missense variant.
Genome position (GRCh38, 1-based): chr6:24,503,432, C>G. VCF-style: chr6-24503432-C-G. GRCh37 (hg19) VCF-style: chr6-24503660-C-G.
Other names: c.608C>G, p.Pro203Arg (NM_001368954.1, NM_170740.1); short protein forms P203R.
Identifiers: ClinVar variation 1878455 (VCV001878455.4), dbSNP rs906284769, ClinGen allele CA362969733.
Genomic context (GRCh38, chr6:24,503,432, plus strand): 5'-CAAAGGACAGGCGGGCCCTGGTCCTCAAGCAGCCCATAGGCGTGGCTGCAGTCATCACCC[C>G]GGTAGGTGACAGGATCAGCAAGATCCTAGGGTGGGAGATTGGATAGGGAGTTGGGAAACA-3'
Protein context (NP_001071.1, residues 193-213): QPIGVAAVIT[Pro203Arg]WNFPSAMITR

ClinVar aggregate classification (germline): Pathogenic (1 of 4 stars; one submission).

Conditions:
Succinate-semialdehyde dehydrogenase deficiency (SSADHD). Also called: Succinic Semialdehyde Dehydrogenase Deficiency; SSADH DEFICIENCY; 4-HYDROXYBUTYRIC ACIDURIA; GABA METABOLIC DEFECT. Identifiers: Orphanet 22, MedGen C0268631, MONDO:0010083, OMIM 271980.

gnomAD v4.1: 3 of 1,611,808 alleles (0.00019%); highest among the groups gnomAD compares: Non-Finnish European, 0.00025%; no homozygotes.

Submission:

Elsea Laboratory, Baylor College of Medicine
Classification: Pathogenic for Succinate-semialdehyde dehydrogenase deficiency. Last evaluated: 2021-03-08. Review status: criteria provided, single submitter. Criteria: Martin et al. (J Child Neurol. 2021). Collection method: curation. Allele origin: germline. Affected: yes.
Comment: NAD binding domain; deficient enzyme activity

Literature cited by the submitters: PubMed 33203024; PubMed 32402538.